The following is an entry in ClinVar:

NM_003242.6(TGFBR2):c.1254+12C>T

Gene: TGFBR2 (transforming growth factor beta receptor 2; plus strand). Cytogenetic location: 3p24.1.
Variant type: single nucleotide variant.
Coding change: c.1254+12C>T on transcript NM_003242.6 (MANE Select); 12 bases into the intron after coding-DNA position 1254, C replaced by T.
Molecular consequence: intron variant.
Genome position (GRCh38, 1-based): chr3:30,672,449, C>T. VCF-style: chr3-30672449-C-T. GRCh37 (hg19) VCF-style: chr3-30713941-C-T.
Other names: c.1257+12C>T (NM_001407129.1); c.1149+12C>T (NM_001407132.1, NM_001407136.1, NM_001407133.1 and 2 more transcripts); c.1437+12C>T (NM_001407126.1); c.1329+12C>T (NM_001024847.3); c.530-15938C>T (NM_001407139.1); c.969+12C>T (NM_001407137.1); c.1362+12C>T (NM_001407127.1); c.1254+12C>T (NM_001407130.1); and 2 more.
Identifiers: ClinVar variation 509810 (VCV000509810.3), dbSNP rs763098114, ClinGen allele CA045990.

ClinVar aggregate classification (germline): Likely benign. Review status: criteria provided, multiple submitters, no conflicts (2 of 4 stars). 2 submissions from 2 submitters: Likely benign (2). Last evaluated 2025-12-09.

Conditions:
Familial thoracic aortic aneurysm and aortic dissection (TAAD). Also called: Thoracic aortic aneurysms and dissections. Identifiers: Orphanet 91387, MedGen C4707243, MONDO:0019625.

Allele frequency attached by ClinVar (database versions not stated): gnomAD exomes 0.00001; ExAC 0.00002.
gnomAD v4.1: 3 of 1,613,998 alleles (0.00019%); highest among the groups gnomAD compares: Non-Finnish European, 0.00025%; no homozygotes.

Submissions (2):

Labcorp Genetics (formerly Invitae), Labcorp
Classification: Likely benign for Familial thoracic aortic aneurysm and aortic dissection. Last evaluated: 2025-12-09. Review status: criteria provided, single submitter. Criteria: Invitae Variant Classification Sherloc (09022015). Collection method: clinical testing. Allele origin: germline.

GeneDx
Classification: Likely benign. Last evaluated: 2017-05-25. Review status: criteria provided, single submitter. Criteria: GeneDx Variant Classification (06012015). Collection method: clinical testing. Allele origin: germline. Affected: yes.
Comment: This variant is considered likely benign or benign based on one or more of the following criteria: it is a conservative change, it occurs at a poorly conserved position in the protein, it is predicted to be benign by multiple in silico algorithms, and/or has population frequency not consistent with disease.